The following is an entry in ClinVar:

NM_000383.4(AIRE):c.1490del (p.Pro497fs)

Gene: AIRE (autoimmune regulator; plus strand). Cytogenetic location: 21q22.3.
Variant type: Deletion.
Coding change: c.1490del on transcript NM_000383.4 (MANE Select); coding-DNA position 1490, one base deleted (C; older notation c.1490delC).
Protein change: p.Pro497fs; shifts the reading frame from proline 497.
Molecular consequence: frameshift variant.
Genome position (GRCh38, 1-based): chr21:44,294,490, C deleted; the last of 4 consecutive C bases (chr21:44,294,487-44,294,490); deleting any one gives the same sequence. VCF-style (leftmost placement, unchanged base first): chr21-44294486-GC-G. GRCh37 (hg19) VCF-style: chr21-45714369-GC-G.
Other names: short protein forms P497fs.
Identifiers: ClinVar variation 633035 (VCV000633035.1), dbSNP rs750764323, ClinGen allele CA10052147.

ClinVar aggregate classification (germline): Likely pathogenic (1 of 4 stars; one submission).

Conditions:
Polyglandular autoimmune syndrome, type 1 (APS1). Also called: Autoimmune polyendocrinopathy syndrome, type I; Autoimmune polyendocrinopathy syndrome , type I, with or without reversible metaphyseal dysplasia; AUTOIMMUNE POLYENDOCRINE SYNDROME, TYPE I, WITH OR WITHOUT REVERSIBLE METAPHYSEAL DYSPLASIA; HYPOADRENOCORTICISM WITH HYPOPARATHYROIDISM AND SUPERFICIAL MONILIASIS; Whitaker syndrome; PGA I. Identifiers: Orphanet 3453, MedGen C0085859, MONDO:0009411, OMIM 240300.

Submission:

Women's Health and Genetics/Laboratory Corporation of America, LabCorp
Classification: Likely pathogenic for Polyglandular autoimmune syndrome, type 1. Last evaluated: 2018-08-31. Review status: criteria provided, single submitter. Criteria: LabCorp Variant Classification Summary - May 2015. Collection method: clinical testing. Allele origin: germline.
Comment: Variant summary: AIRE c.1490delC (p.Pro497LeufsX24) results in a premature termination codon, predicted to cause a truncation of the encoded protein or absence of the protein due to nonsense mediated decay, which are commonly known mechanisms for disease. The variant was absent in 160948 control chromosomes (gnomAD). To our knowledge, no occurrence of c.1490delC in individuals affected with Autoimmune Polyglandular Syndrome Type 1 and no experimental evidence demonstrating its impact on protein function have been reported. No clinical diagnostic laboratories have submitted clinical-significance assessments for this variant to ClinVar after 2014. Based on the evidence outlined above, the variant was classified as likely pathogenic.